The following is an entry in ClinVar:

NM_000548.5(TSC2):c.226_228delinsTAA (p.His76Ter)

Gene: TSC2 (TSC complex subunit 2; plus strand). Cytogenetic location: 16p13.3.
Variant type: Indel.
Coding change: c.226_228delinsTAA on transcript NM_000548.5 (MANE Select); coding-DNA positions 226 to 228, CAC replaced by TAA.
Protein change: p.His76Ter; replaces histidine 76 with a stop codon.
Molecular consequence: nonsense. On other transcripts: intron variant (2).
Genome position (GRCh38, 1-based): chr16:2,053,342-2,053,344, CAC replaced by TAA. VCF-style: chr16-2053342-CAC-TAA. GRCh37 (hg19) VCF-style: chr16-2103343-CAC-TAA.
Other names: c.226_228delinsTAA, p.His76Ter (NM_001077183.3, NM_001114382.3, NM_001370404.1 and 3 more transcripts); c.79_81delinsTAA, p.His27Ter (NM_001318829.2); c.226_228delCACinsTAA, p.His76Ter (NM_001406663.1, NM_001406664.1, NM_001406665.1 and 4 more transcripts); c.259_261delinsTAA, p.His87Ter (NM_001318832.2); c.79_81delCACinsTAA, p.His27Ter (NM_001406675.1, NM_001406676.1, NM_001406677.1 and 1 more transcripts); c.-591_-589delCACinsTAA (NM_001406680.1, NM_001406683.1, NM_001406687.1); c.-220_-218delCACinsTAA (NM_001406681.1); c.-1206_-1204delCACinsTAA (NM_001406689.1, NM_001406690.1, NM_001406691.1 and 2 more transcripts); and 6 more; short protein forms H76*, H87*, H27*.
Identifiers: ClinVar variation 1788616 (VCV001788616.2), dbSNP rs2548396109, ClinGen allele CA2580090611.

ClinVar aggregate classification (germline): Pathogenic (1 of 4 stars; one submission).

Conditions:
Hereditary cancer-predisposing syndrome. Also called: Hereditary Cancer Syndrome; Hereditary neoplastic syndrome; Tumor predisposition; Neoplastic Syndromes, Hereditary. Identifiers: Orphanet 140162, MedGen C0027672, MeSH D009386, MONDO:0015356.

Submission:

Ambry Genetics
Classification: Pathogenic for Hereditary cancer-predisposing syndrome. Last evaluated: 2020-09-14. Review status: criteria provided, single submitter. Criteria: Ambry Variant Classification Scheme 2023. Collection method: clinical testing. Allele origin: germline.
Comment: The c.226_228delCACinsTAA pathogenic mutation, located in coding exon 3 of the TSC2 gene, results from an in-frame deletion of CAC and insertion of TAA at nucleotide positions 226 to 228. This changes the amino acid from a histidine to a stop codon within coding exon 3. This alteration is expected to result in loss of function by premature protein truncation or nonsense-mediated mRNA decay. As such, this alteration is interpreted as a disease-causing mutation.